The following is an entry in ClinVar:

ClinVar aggregate classification (germline): Uncertain significance (1 of 4 stars; one submission).

gnomAD v4.1: 7 of 1,614,206 alleles (0.00043%); highest among the groups gnomAD compares: African/African-American, 0.0013%; no homozygotes.

Submission:

Labcorp Genetics (formerly Invitae), Labcorp
Classification: Uncertain significance. Last evaluated: 2025-11-21. Review status: criteria provided, single submitter. Criteria: Invitae Variant Classification Sherloc (09022015). Collection method: clinical testing. Allele origin: germline.
Comment: This sequence change replaces alanine, which is neutral and non-polar, with valine, which is neutral and non-polar, at codon 482 of the FLNB protein (p.Ala482Val). This variant is not present in population databases (gnomAD no frequency). This variant has not been reported in the literature in individuals affected with FLNB-related conditions. Invitae Evidence Modeling of protein sequence and biophysical properties (such as structural, functional, and spatial information, amino acid conservation, physicochemical variation, residue mobility, and thermodynamic stability) indicates that this missense variant is not expected to disrupt FLNB protein function with a negative predictive value of 95%. Algorithms developed to predict the effect of sequence changes on RNA splicing suggest that this variant may disrupt the consensus splice site. In summary, the available evidence is currently insufficient to determine the role of this variant in disease. Therefore, it has been classified as a Variant of Uncertain Significance.

NM_001457.4(FLNB):c.1445C>T (p.Ala482Val)

Gene: FLNB (filamin B; plus strand). Cytogenetic location: 3p14.3.
Variant type: single nucleotide variant.
Coding change: c.1445C>T on transcript NM_001457.4 (MANE Select); coding-DNA position 1445, C replaced by T.
Protein change: p.Ala482Val; replaces alanine 482 with valine.
Molecular consequence: missense variant.
Genome position (GRCh38, 1-based): chr3:58,102,302, C>T. VCF-style: chr3-58102302-C-T. GRCh37 (hg19) VCF-style: chr3-58088029-C-T.
Other names: c.1445C>T, p.Ala482Val (NM_001164317.2, NM_001164318.2, NM_001164319.2); short protein forms A482V.
Identifiers: ClinVar variation 4766937 (VCV004766937.1).
Genomic context (GRCh38, chr3:58,102,302, plus strand): 5'-TACAACCCAAAGGCGTCCGTATCCGGGAGACCACAGATTTCAAGGTTGACACCAAAGCTG[C>T]AGGAAGTGGGGAGCTCGGTGTAACCATGAAGGGTCCTAGTAAGTGTTCCTTTGTTTCTCT-3'
Protein context (NP_001448.2, residues 472-492): TTDFKVDTKA[Ala482Val]GSGELGVTMK